The following is an entry in ClinVar:

NM_000548.5(TSC2):c.5288C>T (p.Pro1763Leu)

Gene: TSC2 (TSC complex subunit 2; plus strand). Cytogenetic location: 16p13.3.
Variant type: single nucleotide variant.
Coding change: c.5288C>T on transcript NM_000548.5 (MANE Select); coding-DNA position 5288, C replaced by T.
Protein change: p.Pro1763Leu; replaces proline 1763 with leucine.
Molecular consequence: missense variant.
Genome position (GRCh38, 1-based): chr16:2,088,474, C>T. VCF-style: chr16-2088474-C-T. GRCh37 (hg19) VCF-style: chr16-2138475-C-T.
Other names: c.5087C>T, p.Pro1696Leu (NM_001077183.3); c.5219C>T, p.Pro1740Leu (NM_001114382.3); c.4979C>T, p.Pro1660Leu (NM_001318827.2); c.4943C>T, p.Pro1648Leu (NM_001318829.2); c.4556C>T, p.Pro1519Leu (NM_001318831.2); c.5120C>T, p.Pro1707Leu (NM_001318832.2); c.5090C>T, p.Pro1697Leu (NM_001363528.2); c.5156C>T, p.Pro1719Leu (NM_001370404.1); and 2 more; short protein forms P1648L, P1696L, P1697L, P1719L, P1763L, P1660L, P1519L, P1720L.
Identifiers: ClinVar variation 945935 (VCV000945935.12), dbSNP rs781139561, ClinGen allele CA054957.
Genomic context (GRCh38, chr16:2,088,474, plus strand): 5'-AGACTTACTGCCCAAGCCGCCTCTGCCTTCAGATCTGCGAGGAAGCCGCCTACTCCAACC[C>T]CAGCCTACCTCTGGTGCACCCTCCGTCCCATAGCAAAGCCCCTGCACAGACTCCAGCCGA-3'
Protein context (NP_000539.2, residues 1753-1773): RICEEAAYSN[Pro1763Leu]SLPLVHPPSH

ClinVar aggregate classification (germline): Conflicting classifications of pathogenicity. Review status: criteria provided, conflicting classifications (1 of 4 stars). 5 submissions from 5 submitters: Uncertain significance (3); Benign (1); Likely benign (1). Last evaluated 2025-08-13.

Conditions:
Hereditary cancer-predisposing syndrome. Also called: Neoplastic Syndromes, Hereditary; Hereditary neoplastic syndrome; Hereditary Cancer Syndrome; Tumor predisposition. Identifiers: Orphanet 140162, MedGen C0027672, MeSH D009386, MONDO:0015356.
Tuberous sclerosis 2 (TSC2). Identifiers: Orphanet 805, MedGen C1860707, MONDO:0013199, OMIM 613254.
Isolated focal cortical dysplasia type II (FCORD2). Also called: Focal cortical dysplasia type II; CORTICAL DYSPLASIA OF TAYLOR. Identifiers: Orphanet 268994, MedGen C1846385, MONDO:0011818, OMIM 607341, HP:0032051.
Tuberous sclerosis syndrome (TSC). Also called: Tuberous Sclerosis Complex; Tuberous sclerosis. Identifiers: Orphanet 805, MedGen C0041341, MONDO:0001734.

Allele frequency attached by ClinVar (database versions not stated): ExAC 0.00001; gnomAD exomes 0.00001.
gnomAD v4.1: 2 of 1,612,946 alleles (0.00012%); highest among the groups gnomAD compares: Admixed American, 0.0033%; no homozygotes.

Submissions (5):

Labcorp Genetics (formerly Invitae), Labcorp
Classification: Benign for Tuberous sclerosis 2. Last evaluated: 2025-08-13. Review status: criteria provided, single submitter. Criteria: Invitae Variant Classification Sherloc (09022015). Collection method: clinical testing. Allele origin: germline.

Baylor Genetics
Classification: Uncertain significance for Isolated focal cortical dysplasia type II. Last evaluated: 2024-03-25. Review status: criteria provided, single submitter. Criteria: ACMG Guidelines, 2015. Collection method: clinical testing. Allele origin: unknown.

Ambry Genetics
Classification: Uncertain significance for Hereditary cancer-predisposing syndrome. Last evaluated: 2023-07-27. Review status: criteria provided, single submitter. Criteria: Ambry Variant Classification Scheme 2023. Collection method: clinical testing. Allele origin: germline.
Comment: The p.P1763L variant (also known as c.5288C>T), located in coding exon 41 of the TSC2 gene, results from a C to T substitution at nucleotide position 5288. The proline at codon 1763 is replaced by leucine, an amino acid with similar properties. This amino acid position is conserved. In addition, the in silico prediction for this alteration is inconclusive. Since supporting evidence is limited at this time, the clinical significance of this alteration remains unclear.

Color Diagnostics, LLC DBA Color Health
Classification: Likely benign for Tuberous sclerosis syndrome. Last evaluated: 2023-01-29. Review status: criteria provided, single submitter. Criteria: ACMG Guidelines, 2015. Collection method: clinical testing. Allele origin: germline.

Revvity Omics, Revvity
Classification: Uncertain significance for Tuberous sclerosis 2. Last evaluated: 2021-06-29. Review status: criteria provided, single submitter. Criteria: ACMG Guidelines, 2015. Collection method: clinical testing. Allele origin: germline.